The following is an entry in ClinVar:

NM_002335.4(LRP5):c.4253C>A (p.Ala1418Asp)

Gene: LRP5 (LDL receptor related protein 5; plus strand). Cytogenetic location: 11q13.2.
Variant type: single nucleotide variant.
Coding change: c.4253C>A on transcript NM_002335.4 (MANE Select); coding-DNA position 4253, C replaced by A.
Protein change: p.Ala1418Asp; replaces alanine 1418 with aspartic acid.
Molecular consequence: missense variant.
Genome position (GRCh38, 1-based): chr11:68,438,587, C>A. VCF-style: chr11-68438587-C-A. GRCh37 (hg19) VCF-style: chr11-68206055-C-A.
Other names: c.2510C>A, p.Ala837Asp (NM_001291902.2); short protein forms A1418D, A837D.
Identifiers: ClinVar variation 1432245 (VCV001432245.8), dbSNP rs2153181314, ClinGen allele CA381615109.

ClinVar aggregate classification (germline): Uncertain significance (1 of 4 stars; one submission).

gnomAD v4.1: 3 of 1,614,026 alleles (0.00019%); highest among the groups gnomAD compares: Non-Finnish European, 0.00017%; no homozygotes.

Submission:

Labcorp Genetics (formerly Invitae), Labcorp
Classification: Uncertain significance. Last evaluated: 2022-08-16. Review status: criteria provided, single submitter. Criteria: Invitae Variant Classification Sherloc (09022015). Collection method: clinical testing. Allele origin: germline.
Comment: In summary, the available evidence is currently insufficient to determine the role of this variant in disease. Therefore, it has been classified as a Variant of Uncertain Significance. Advanced modeling of protein sequence and biophysical properties (such as structural, functional, and spatial information, amino acid conservation, physicochemical variation, residue mobility, and thermodynamic stability) performed at Invitae indicates that this missense variant is not expected to disrupt LRP5 protein function. ClinVar contains an entry for this variant (Variation ID: 1432245). This variant has not been reported in the literature in individuals affected with LRP5-related conditions. This variant is not present in population databases (gnomAD no frequency). This sequence change replaces alanine, which is neutral and non-polar, with aspartic acid, which is acidic and polar, at codon 1418 of the LRP5 protein (p.Ala1418Asp).